The following is an entry in ClinVar:

NM_001318852.2(MAPK8IP3):c.3260G>A (p.Arg1087Gln)

Gene: MAPK8IP3 (mitogen-activated protein kinase 8 interacting protein 3; plus strand). Cytogenetic location: 16p13.3.
Variant type: single nucleotide variant.
Coding change: c.3260G>A on transcript NM_001318852.2 (MANE Select); coding-DNA position 3260, G replaced by A.
Protein change: p.Arg1087Gln; replaces arginine 1087 with glutamine.
Molecular consequence: missense variant.
Genome position (GRCh38, 1-based): chr16:1,767,586, G>A. VCF-style: chr16-1767586-G-A. GRCh37 (hg19) VCF-style: chr16-1817587-G-A.
Other names: c.3239G>A, p.Arg1080Gln (NM_001040439.2); c.3257G>A, p.Arg1086Gln (NM_015133.5); short protein forms R1080Q, R1086Q, R1087Q.
Identifiers: ClinVar variation 1307933 (VCV001307933.2), dbSNP rs2141956090, ClinGen allele CA394237850.

ClinVar aggregate classification (germline): Uncertain significance (1 of 4 stars; one submission).

Submission:

GeneDx
Classification: Uncertain significance. Last evaluated: 2019-08-14. Review status: criteria provided, single submitter. Criteria: GeneDx Variant Classification Process June 2021. Collection method: clinical testing. Allele origin: germline. Affected: yes.
Comment: Not observed in large population cohorts (Lek et al., 2016); In silico analysis, which includes protein predictors and evolutionary conservation, supports a deleterious effect; In-silico analysis, which includes splice predictors, is inconclusive as to whether the variant alters gene splicing; in the absence of RNA/functional studies, the actual effect of this sequence change is unknown; Has not been previously published as pathogenic or benign to our knowledge